The following is an entry in ClinVar:

ClinVar aggregate classification (germline): Likely pathogenic (1 of 4 stars; one submission).

Conditions:
SPTB-related disorder. Also called: SPTB-Related Disorders; SPTB-related condition.

Submission:

PreventionGenetics, part of Exact Sciences
Classification: Likely pathogenic for SPTB-related condition. Last evaluated: 2025-03-14. Review status: criteria provided, single submitter. Criteria: ACMG Guidelines, 2015. Collection method: clinical testing. Allele origin: germline.
Comment: The SPTB c.6085_6093delinsCCCCGTGG variant is predicted to result in a frameshift and premature protein termination (p.Glu2029Profs*48). To our knowledge, this variant has not been reported in the literature or in a large population database (gnomAD), indicating this variant is rare. Frameshift variants in SPTB are expected to be pathogenic. This variant is interpreted as likely pathogenic.

NM_001355436.2(SPTB):c.6085_6093delinsCCCCGTGG (p.Glu2029fs)

Gene: SPTB (spectrin beta, erythrocytic; minus strand). Cytogenetic location: 14q23.3.
Variant type: Indel.
Coding change: c.6085_6093delinsCCCCGTGG on transcript NM_001355436.2 (MANE Select); coding-DNA positions 6085 to 6093, GAGCCCTAC replaced by CCCCGTGG.
Protein change: p.Glu2029fs; shifts the reading frame from glutamic acid 2029.
Molecular consequence: frameshift variant.
Genome position (GRCh38, 1-based): chr14:64,767,789-64,767,797, GTAGGGCTC replaced by CCACGGGG on the plus strand (GAGCCCTAC replaced by CCCCGTGG on the coding strand, the reverse complement: SPTB is on the minus strand). VCF-style: chr14-64767789-GTAGGGCTC-CCACGGGG. GRCh37 (hg19) VCF-style: chr14-65234507-GTAGGGCTC-CCACGGGG.
Other names: c.6085_6093delinsCCCCGTGG, p.Glu2029fs (NM_001024858.4, NM_001355437.2); short protein forms E2029fs.
Identifiers: ClinVar variation 5001147 (VCV005001147.1).